The following is an entry in ClinVar:

NM_001374828.1(ARID1B):c.6898dup (p.His2300fs)

Gene: ARID1B (AT-rich interaction domain 1B; plus strand). Cytogenetic location: 6q25.3.
Variant type: Duplication.
Coding change: c.6898dup on transcript NM_001374828.1 (MANE Select); coding-DNA position 6898, one base duplicated (C; older notation c.6898dupC).
Protein change: p.His2300fs; shifts the reading frame from histidine 2300.
Molecular consequence: frameshift variant.
Genome position (GRCh38, 1-based): chr6:157,207,670, C duplicated. VCF-style (leftmost placement, unchanged base first): chr6-157207669-G-GC. GRCh37 (hg19) VCF-style: chr6-157528803-G-GC.
Other names: c.6529dupC (NM_020732.3); c.4399dup, p.His1467fs (NM_001363725.2); c.6778dup, p.His2260fs (NM_001371656.1, NM_001374820.1); c.6739dup, p.His2247fs (NM_017519.3); short protein forms H2260fs, H2247fs, H1467fs, H2300fs.
Identifiers: ClinVar variation 931491 (VCV000931491.3), dbSNP rs1794570475, ClinGen allele CA1139659350.

ClinVar aggregate classification (germline): Pathogenic (1 of 4 stars; one submission).

Conditions:
Coffin-Siris syndrome 1 (CSS1). Also called: Mental retardation, autosomal dominant 12; ARID1B-Related Coffin-Siris Syndrome. Identifiers: Orphanet 1465, MedGen C3281201, MONDO:0007617, OMIM 135900. Disease mechanism: gain of function.

Submission:

Centre for Mendelian Genomics, University Medical Centre Ljubljana
Classification: Pathogenic for Coffin-Siris syndrome 1. Last evaluated: 2016-01-01. Review status: criteria provided, single submitter. Criteria: ACMG Guidelines, 2015. Collection method: clinical testing. Allele origin: unknown. Affected: yes.
Comment: This variant was classified as: Pathogenic. The following ACMG criteria were applied in classifying this variant: PVS1,PM2,PP4.